The following is an entry in ClinVar:

ClinVar aggregate classification (germline): Pathogenic/Likely pathogenic. Review status: criteria provided, multiple submitters, no conflicts (2 of 4 stars). 2 submissions from 2 submitters: Pathogenic (1); Likely pathogenic (1). Last evaluated 2024-11-22.

Conditions:
IFT140-related disorder. Also called: IFT140-related condition.
Saldino-Mainzer syndrome (SRTD9). Also called: CONORENAL SYNDROME; Renal dysplasia, retinal pigmentary dystrophy, cerebellar ataxia and skeletal dysplasia; SHORT-RIB THORACIC DYSPLASIA 9 WITHOUT POLYDACTYLY; short-rib thoracic dysplasia 9 with or without polydactyly. Identifiers: Orphanet 140969, MedGen C1849437, MONDO:0009964, OMIM 266920.

Submissions (2):

PreventionGenetics, part of Exact Sciences
Classification: Pathogenic for IFT140-related condition. Last evaluated: 2024-11-22. Review status: criteria provided, single submitter. Criteria: ACMG Guidelines, 2015. Collection method: clinical testing. Allele origin: germline.
Comment: The IFT140 c.1655_1656delAG variant is predicted to result in a frameshift and premature protein termination (p.Glu552Glyfs*6). This variant has been reported in individuals with autosomal recessive Leber congenital amaurosis (LCA) or autosomal dominant polycystic kidney-spectrum phenotype (Xu et al. 2015. PubMed ID: 26216056; Senum et al. 2021. PubMed ID: 34890546). This variant has not been reported in a large population database (gnomAD), indicating this variant is rare. Frameshift variants in IFT140 are expected to be pathogenic. This variant is interpreted as pathogenic for both autosomal dominant and autosomal recessive IFT140-related disorders.

Eurofins-Biomnis
Classification: Likely pathogenic for Saldino-Mainzer syndrome. Last evaluated: 2022-09-23. Review status: criteria provided, single submitter. Criteria: Accession Criteria ClinVar Biomnis. Collection method: clinical testing. Allele origin: germline. Affected: yes. Observed: 1 heterozygote.

NM_014714.4(IFT140):c.1655_1656del

Gene: IFT140 (intraflagellar transport 140; minus strand). Cytogenetic location: 16p13.3.
Variant type: Microsatellite.
Coding change: c.1655_1656del on transcript NM_014714.4 (MANE Select); coding-DNA positions 1655 to 1656, 2 bases deleted (AG; older notation c.1655_1656delAG).
Molecular consequence: splice acceptor variant.
Genome position (GRCh38, 1-based): chr16:1,568,331-1,568,332, CT deleted on the plus strand (AG on the coding strand, the reverse complement: IFT140 is on the minus strand); deleting any 2 consecutive bases within chr16:1,568,331-1,568,336 gives the same sequence; the c. name uses the placement nearest the transcript's 3' end. VCF-style (leftmost placement, unchanged base first): chr16-1568330-CCT-C. GRCh37 (hg19) VCF-style: chr16-1618331-CCT-C.
Other names: c.1655_1656delAG (NM_014714.3).
Identifiers: ClinVar variation 2506458 (VCV002506458.2), dbSNP rs2033836650, ClinGen allele CA2201732453.
Genomic context (GRCh38, chr16:1,568,330, plus strand): 5'-CGATGCCCCCCACCCCAGGGACCAGCTCCGCCAGGCTCCTGCAGCTACAGTGTGCTTTGG[CCT>C]CTCTGCAGGGAGGAAGAGGGACCTCAGTGCCCGCCAGAGGCCCAGTTCCCAATTCTCCGC-3'